The following is an entry in ClinVar:

ClinVar aggregate classification (germline): Uncertain significance (1 of 4 stars; one submission).

Conditions:
Severe combined immunodeficiency due to DNA-PKcs deficiency. Also called: IMMUNODEFICIENCY 26 WITH NEUROLOGIC ABNORMALITIES; Immunodeficiency 26 with or without neurologic abnormalities. Identifiers: Orphanet 317425, MedGen C4014833, MONDO:0014423, OMIM 615966.

Allele frequency attached by ClinVar (database versions not stated): gnomAD 0.00001; gnomAD exomes 0.00001.

Submission:

Labcorp Genetics (formerly Invitae), Labcorp
Classification: Uncertain significance for Severe combined immunodeficiency due to DNA-PKcs deficiency. Last evaluated: 2024-02-26. Review status: criteria provided, single submitter. Criteria: Invitae Variant Classification Sherloc (09022015). Collection method: clinical testing. Allele origin: germline.
Comment: This sequence change replaces leucine, which is neutral and non-polar, with valine, which is neutral and non-polar, at codon 196 of the PRKDC protein (p.Leu196Val). This variant is not present in population databases (gnomAD no frequency). This variant has not been reported in the literature in individuals affected with PRKDC-related conditions. ClinVar contains an entry for this variant (Variation ID: 2158639). Advanced modeling of protein sequence and biophysical properties (such as structural, functional, and spatial information, amino acid conservation, physicochemical variation, residue mobility, and thermodynamic stability) has been performed at Invitae for this missense variant, however the output from this modeling did not meet the statistical confidence thresholds required to predict the impact of this variant on PRKDC protein function. In summary, the available evidence is currently insufficient to determine the role of this variant in disease. Therefore, it has been classified as a Variant of Uncertain Significance.

NM_006904.7(PRKDC):c.586C>G (p.Leu196Val)

Gene: PRKDC (protein kinase, DNA-activated, catalytic subunit; minus strand). Cytogenetic location: 8q11.21.
Variant type: single nucleotide variant.
Coding change: c.586C>G on transcript NM_006904.7 (MANE Select); coding-DNA position 586, C replaced by G.
Protein change: p.Leu196Val; replaces leucine 196 with valine.
Molecular consequence: missense variant.
Genome position (GRCh38, 1-based): chr8:47,953,842, G>C on the plus strand (C>G on the coding strand, the complement: PRKDC is on the minus strand). VCF-style: chr8-47953842-G-C. GRCh37 (hg19) VCF-style: chr8-48866402-G-C.
Other names: c.586C>G, p.Leu196Val (NM_001081640.2); short protein forms L196V.
Identifiers: ClinVar variation 2158639 (VCV002158639.4), dbSNP rs2090663090, ClinGen allele CA371138764.